The following is an entry in ClinVar:

ClinVar aggregate classification (germline): Uncertain significance (1 of 4 stars; one submission).

Conditions:
Inborn genetic diseases. Identifiers: MedGen C0950123, MeSH D030342.

Allele frequency attached by ClinVar (database versions not stated): gnomAD exomes below 0.00001; TOPMed 0.00001.
gnomAD v4.1: 2 of 1,614,068 alleles (0.00012%); highest among the groups gnomAD compares: Non-Finnish European, 0.00017%; no homozygotes.

Submission:

Ambry Genetics
Classification: Uncertain significance for Inborn genetic diseases. Last evaluated: 2023-10-13. Review status: criteria provided, single submitter. Criteria: Ambry Variant Classification Scheme 2023. Collection method: clinical testing. Allele origin: germline.
Comment: The p.E414K variant (also known as c.1240G>A), located in coding exon 9 of the BUB1B gene, results from a G to A substitution at nucleotide position 1240. The glutamic acid at codon 414 is replaced by lysine, an amino acid with similar properties. This amino acid position is conserved. In addition, this alteration is predicted to be deleterious by in silico analysis. Since supporting evidence is limited at this time, the clinical significance of this alteration remains unclear.

NM_001211.6(BUB1B):c.1240G>A (p.Glu414Lys)

Gene: BUB1B (BUB1 mitotic checkpoint serine/threonine kinase B; plus strand). Cytogenetic location: 15q15.1.
Variant type: single nucleotide variant.
Coding change: c.1240G>A on transcript NM_001211.6 (MANE Select); coding-DNA position 1240, G replaced by A.
Protein change: p.Glu414Lys; replaces glutamic acid 414 with lysine.
Molecular consequence: missense variant.
Genome position (GRCh38, 1-based): chr15:40,196,726, G>A. VCF-style: chr15-40196726-G-A. GRCh37 (hg19) VCF-style: chr15-40488927-G-A.
Other names: short protein forms E414K.
Identifiers: ClinVar variation 3221339 (VCV003221339.1), dbSNP rs978902021, ClinGen allele CA268791171.